The following is an entry in ClinVar:

NM_003458.4(BSN):c.620C>A (p.Pro207His)

Gene: BSN (bassoon presynaptic cytomatrix protein; plus strand). Cytogenetic location: 3p21.31.
Variant type: single nucleotide variant.
Coding change: c.620C>A on transcript NM_003458.4 (MANE Select); coding-DNA position 620, C replaced by A.
Protein change: p.Pro207His; replaces proline 207 with histidine.
Molecular consequence: missense variant.
Genome position (GRCh38, 1-based): chr3:49,625,370, C>A. VCF-style: chr3-49625370-C-A. GRCh37 (hg19) VCF-style: chr3-49662803-C-A.
Other names: short protein forms P207H.
Identifiers: ClinVar variation 3900294 (VCV003900294.1).

ClinVar aggregate classification (germline): Uncertain significance (1 of 4 stars; one submission).

gnomAD v4.1: 2 of 1,491,114 alleles (0.00013%); highest among the groups gnomAD compares: Non-Finnish European, 0.000089%; no homozygotes.

Submission:

GeneDx
Classification: Uncertain significance. Last evaluated: 2023-05-19. Review status: criteria provided, single submitter. Criteria: GeneDx Variant Classification Process June 2021. Collection method: clinical testing. Allele origin: germline. Affected: yes.
Comment: Not observed at significant frequency in large population cohorts (gnomAD); In silico analysis supports that this missense variant has a deleterious effect on protein structure/function; Has not been previously published as pathogenic or benign to our knowledge; Variants in candidate genes are classified as variants of uncertain significance in accordance with ACMG guidelines (Richards et al., 2015)